The following is an entry in ClinVar:

NM_001394998.1(TANC2):c.3757G>A (p.Ala1253Thr)

Genes: TANC2 (tetratricopeptide repeat, ankyrin repeat and coiled-coil containing 2; plus strand), LOC105371856 (uncharacterized LOC105371856; minus strand). Cytogenetic location: 17q23.3.
Variant type: single nucleotide variant.
Coding change: c.3757G>A on transcript NM_001394998.1 (MANE Select); coding-DNA position 3757, G replaced by A.
Protein change: p.Ala1253Thr; replaces alanine 1253 with threonine.
Molecular consequence: missense variant.
Genome position (GRCh38, 1-based): chr17:63,411,678, G>A. VCF-style: chr17-63411678-G-A. GRCh37 (hg19) VCF-style: chr17-61489039-G-A.
Other names: p.Ala1253Thr; c.3535G>A, p.Ala1179Thr (NM_001411076.1, NM_025185.4); short protein forms A1179T, A1253T.
Identifiers: ClinVar variation 4756106 (VCV004756106.1).

ClinVar aggregate classification (germline): Uncertain significance (1 of 4 stars; one submission).

Conditions:
Intellectual developmental disorder with autistic features and language delay, with or without seizures. Identifiers: MedGen C5394447, MONDO:0030051, OMIM 618906.

Submission:

Foundation for Research in Genetics and Endocrinology, FRIGE's Institute of Human Genetics
Classification: Uncertain significance for Intellectual developmental disorder with autistic features and language delay, with or without seizures. Last evaluated: 2026-02-02. Review status: criteria provided, single submitter. Criteria: ACMG Guidelines, 2015. Collection method: clinical testing. Allele origin: germline. Inheritance: Autosomal dominant inheritance. Affected: yes. Observed: 1 heterozygote.
Comment: A heterozygous missense variant in exon 22 of the TANC2 gene (chr17:g.63411678G>A; Depth: 76x) that results in the amino acid substitution of Threonine for Alanine at codon 1253 (p.Ala1253Thr; ENST00000689528.1) was detected. The observed variant has not been reported in the 1000 genomes, gnomAD (v3.1), gnomAD (v2.1) and topmed databases. The in-silico predictions of the variant are damaging by SIFT, LRT and CONDEL. The reference codon is conserved across species.